The following is an entry in ClinVar:

NM_001111.5(ADAR):c.1024G>T (p.Asp342Tyr)

Gene: ADAR (adenosine deaminase RNA specific; minus strand). Cytogenetic location: 1q21.3.
Variant type: single nucleotide variant.
Coding change: c.1024G>T on transcript NM_001111.5 (MANE Select); coding-DNA position 1024, G replaced by T.
Protein change: p.Asp342Tyr; replaces aspartic acid 342 with tyrosine.
Molecular consequence: missense variant.
Genome position (GRCh38, 1-based): chr1:154,601,618, C>A on the plus strand (G>T on the coding strand, the complement: ADAR is on the minus strand). VCF-style: chr1-154601618-C-A. GRCh37 (hg19) VCF-style: chr1-154574094-C-A.
Other names: p.Asp342Tyr; c.139G>T, p.Asp47Tyr (NM_001025107.3, NM_001193495.2, NM_001365046.1 and 3 more transcripts); c.1051G>T, p.Asp351Tyr (NM_001365045.1); c.1024G>T, p.Asp342Tyr (NM_015840.4, NM_015841.4); short protein forms D342Y, D47Y, D351Y.
Identifiers: ClinVar variation 856118 (VCV000856118.11), dbSNP rs750785381, ClinGen allele CA1131601.

ClinVar aggregate classification (germline): Uncertain significance. Review status: criteria provided, multiple submitters, no conflicts (2 of 4 stars). 3 submissions from 3 submitters: Uncertain significance (3). Last evaluated 2025-09-15.

Conditions:
Symmetrical dyschromatosis of extremities (DSH). Also called: DYSCHROMATOSIS SYMMETRICA HEREDITARIA 1; Dyschromatosis symmetrica hereditaria; RETICULATE ACROPIGMENTATION OF DOHI; SYMMETRIC DYSCHROMATOSIS OF THE EXTREMITIES. Identifiers: Orphanet 41, MedGen C0406775, MONDO:0007483, OMIM 127400.
Aicardi-Goutieres syndrome 6 (AGS6). Identifiers: Orphanet 51, MedGen C3539013, MONDO:0014007, OMIM 615010.

Allele frequency attached by ClinVar (database versions not stated): gnomAD exomes 0.00001; TOPMed 0.00001; ExAC 0.00001.
gnomAD v4.1: 3 of 1,613,216 alleles (0.00019%); highest among the groups gnomAD compares: Admixed American, 0.005%; no homozygotes.

Submissions (3):

Labcorp Genetics (formerly Invitae), Labcorp
Classification: Uncertain significance for Aicardi-Goutieres syndrome 6; Symmetrical dyschromatosis of extremities. Last evaluated: 2025-09-15. Review status: criteria provided, single submitter. Criteria: Invitae Variant Classification Sherloc (09022015). Collection method: clinical testing. Allele origin: germline.
Comment: This sequence change replaces aspartic acid, which is acidic and polar, with tyrosine, which is neutral and polar, at codon 342 of the ADAR protein (p.Asp342Tyr). This variant is present in population databases (rs750785381, gnomAD 0.009%). This variant has not been reported in the literature in individuals affected with ADAR-related conditions. ClinVar contains an entry for this variant (Variation ID: 856118). Invitae Evidence Modeling of protein sequence and biophysical properties (such as structural, functional, and spatial information, amino acid conservation, physicochemical variation, residue mobility, and thermodynamic stability) indicates that this missense variant is not expected to disrupt ADAR protein function with a negative predictive value of 80%. In summary, the available evidence is currently insufficient to determine the role of this variant in disease. Therefore, it has been classified as a Variant of Uncertain Significance.

GeneDx
Classification: Uncertain significance. Last evaluated: 2025-06-17. Review status: criteria provided, single submitter. Criteria: GeneDx Variant Classification Process June 2021. Collection method: clinical testing. Allele origin: germline. Affected: yes.
Comment: In silico analysis suggests that this missense variant does not alter protein structure/function; This variant is associated with the following publications: (PMID: 26576034)

Mayo Clinic Laboratories, Mayo Clinic
Classification: Uncertain significance. Last evaluated: 2025-05-14. Review status: criteria provided, single submitter. Criteria: ACMG Guidelines, 2015. Collection method: clinical testing. Allele origin: germline. Observed: 1 variant allele.
Comment: BP5

Literature cited by the submitters: PubMed 26576034 (cited by Mayo Clinic Laboratories, Mayo Clinic).